The following is an entry in ClinVar:

ClinVar aggregate classification (germline): Uncertain significance. Review status: criteria provided, multiple submitters, no conflicts (2 of 4 stars). 2 submissions from 2 submitters: Uncertain significance (2). Last evaluated 2026-02-25.

Conditions:
Inborn genetic diseases. Identifiers: MedGen C0950123, MeSH D030342.

gnomAD v4.1: 1 of 1,614,036 alleles (0.000062%); highest among the groups gnomAD compares: African/African-American, 0.0013%; no homozygotes.

Submissions (2):

Ambry Genetics
Classification: Uncertain significance for Inborn genetic diseases. Last evaluated: 2026-02-25. Review status: criteria provided, single submitter. Criteria: Ambry Variant Classification Scheme 2023. Collection method: clinical testing. Allele origin: germline.

Labcorp Genetics (formerly Invitae), Labcorp
Classification: Uncertain significance. Last evaluated: 2025-06-18. Review status: criteria provided, single submitter. Criteria: Invitae Variant Classification Sherloc (09022015). Collection method: clinical testing. Allele origin: germline.
Comment: This sequence change replaces methionine, which is neutral and non-polar, with isoleucine, which is neutral and non-polar, at codon 559 of the COL4A4 protein (p.Met559Ile). This variant is not present in population databases (gnomAD no frequency). This variant has not been reported in the literature in individuals affected with COL4A4-related conditions. Invitae Evidence Modeling of protein sequence and biophysical properties (such as structural, functional, and spatial information, amino acid conservation, physicochemical variation, residue mobility, and thermodynamic stability) indicates that this missense variant is not expected to disrupt COL4A4 protein function with a negative predictive value of 95%. In summary, the available evidence is currently insufficient to determine the role of this variant in disease. Therefore, it has been classified as a Variant of Uncertain Significance.

NM_000092.5(COL4A4):c.1677G>A (p.Met559Ile)

Gene: COL4A4 (collagen type IV alpha 4 chain; minus strand). Cytogenetic location: 2q36.3.
Variant type: single nucleotide variant.
Coding change: c.1677G>A on transcript NM_000092.5 (MANE Select); coding-DNA position 1677, G replaced by A.
Protein change: p.Met559Ile; replaces methionine 559 with isoleucine.
Molecular consequence: missense variant.
Genome position (GRCh38, 1-based): chr2:227,082,134, C>T on the plus strand (G>A on the coding strand, the complement: COL4A4 is on the minus strand). VCF-style: chr2-227082134-C-T. GRCh37 (hg19) VCF-style: chr2-227946850-C-T.
Other names: short protein forms M559I.
Identifiers: ClinVar variation 4706785 (VCV004706785.2).